The following is an entry in ClinVar:

ClinVar aggregate classification (germline): Uncertain significance (1 of 4 stars; one submission).

Submission:

Labcorp Genetics (formerly Invitae), Labcorp
Classification: Uncertain significance. Last evaluated: 2025-02-20. Review status: criteria provided, single submitter. Criteria: Invitae Variant Classification Sherloc (09022015). Collection method: clinical testing. Allele origin: germline.
Comment: This sequence change replaces arginine, which is basic and polar, with glycine, which is neutral and non-polar, at codon 480 of the LZTR1 protein (p.Arg480Gly). This variant is not present in population databases (gnomAD no frequency). This variant has not been reported in the literature in individuals affected with LZTR1-related conditions. Invitae Evidence Modeling of protein sequence and biophysical properties (such as structural, functional, and spatial information, amino acid conservation, physicochemical variation, residue mobility, and thermodynamic stability) indicates that this missense variant is not expected to disrupt LZTR1 protein function with a negative predictive value of 80%. In summary, the available evidence is currently insufficient to determine the role of this variant in disease. Therefore, it has been classified as a Variant of Uncertain Significance.

NM_006767.4(LZTR1):c.1438A>G (p.Arg480Gly)

Gene: LZTR1 (leucine zipper like post translational regulator 1; plus strand). Cytogenetic location: 22q11.21.
Variant type: single nucleotide variant.
Coding change: c.1438A>G on transcript NM_006767.4 (MANE Select); coding-DNA position 1438, A replaced by G.
Protein change: p.Arg480Gly; replaces arginine 480 with glycine.
Molecular consequence: missense variant.
Genome position (GRCh38, 1-based): chr22:20,994,008, A>G. VCF-style: chr22-20994008-A-G. GRCh37 (hg19) VCF-style: chr22-21348297-A-G.
Other names: short protein forms R480G.
Identifiers: ClinVar variation 4743108 (VCV004743108.1).
Genomic context (GRCh38, chr22:20,994,008, plus strand): 5'-GTAGCCATTGTCACAGCGCGGAGCCGCTGGCTTCGCAGGAAGATCACGCAGGCGCGGGAG[A>G]GGCTGGCCCAGGTGAGGTGCCTAACCGCCCTGCCCTGACCTGGCAGCCATGCCTGGTGTC-3'
Protein context (NP_006758.2, residues 470-490): LRRKITQARE[Arg480Gly]LAQKLEQEAA